The following is an entry in ClinVar:

NM_004525.3(LRP2):c.128C>A (p.Ala43Glu)

Gene: LRP2 (LDL receptor related protein 2; minus strand). Cytogenetic location: 2q31.1.
Variant type: single nucleotide variant.
Coding change: c.128C>A on transcript NM_004525.3 (MANE Select); coding-DNA position 128, C replaced by A.
Protein change: p.Ala43Glu; replaces alanine 43 with glutamic acid.
Molecular consequence: missense variant.
Genome position (GRCh38, 1-based): chr2:169,320,836, G>T on the plus strand (C>A on the coding strand, the complement: LRP2 is on the minus strand). VCF-style: chr2-169320836-G-T. GRCh37 (hg19) VCF-style: chr2-170177346-G-T.
Other names: short protein forms A43E.
Identifiers: ClinVar variation 1462687 (VCV001462687.4), dbSNP rs746960003, ClinGen allele CA1955987.

ClinVar aggregate classification (germline): Uncertain significance. Review status: criteria provided, multiple submitters, no conflicts (2 of 4 stars). 2 submissions from 2 submitters: Uncertain significance (2). Last evaluated 2024-06-22.

Conditions:
Donnai-Barrow syndrome. Also called: DBS/FOAR SYNDROME; FACIOOCULOACOUSTICORENAL SYNDROME. Identifiers: Orphanet 2143, MedGen C1857277, MONDO:0009104, OMIM 222448.

Allele frequency attached by ClinVar (database versions not stated): gnomAD 0.00001; gnomAD exomes 0.00001 and 0.00002; TOPMed 0.00002; ExAC 0.00003.
gnomAD v4.1: 8 of 1,614,010 alleles (0.0005%); highest among the groups gnomAD compares: Admixed American, 0.013%; no homozygotes.

Submissions (2):

Fulgent Genetics
Classification: Uncertain significance for Donnai-Barrow syndrome. Last evaluated: 2024-06-22. Review status: criteria provided, single submitter. Criteria: ACMG Guidelines, 2015. Collection method: clinical testing. Allele origin: germline.

Labcorp Genetics (formerly Invitae), Labcorp
Classification: Uncertain significance. Last evaluated: 2022-03-02. Review status: criteria provided, single submitter. Criteria: Invitae Variant Classification Sherloc (09022015). Collection method: clinical testing. Allele origin: germline.
Comment: This sequence change replaces alanine, which is neutral and non-polar, with glutamic acid, which is acidic and polar, at codon 43 of the LRP2 protein (p.Ala43Glu). This variant is present in population databases (rs746960003, gnomAD 0.02%). This variant has not been reported in the literature in individuals affected with LRP2-related conditions. Advanced modeling of protein sequence and biophysical properties (such as structural, functional, and spatial information, amino acid conservation, physicochemical variation, residue mobility, and thermodynamic stability) performed at Invitae indicates that this missense variant is not expected to disrupt LRP2 protein function. In summary, the available evidence is currently insufficient to determine the role of this variant in disease. Therefore, it has been classified as a Variant of Uncertain Significance.